The following is an entry in ClinVar:

NM_001130438.3(SPTAN1):c.1572+5G>C

Gene: SPTAN1 (spectrin alpha, non-erythrocytic 1; plus strand). Cytogenetic location: 9q34.11.
Variant type: single nucleotide variant.
Coding change: c.1572+5G>C on transcript NM_001130438.3 (MANE Select); 5 bases into the intron after coding-DNA position 1572, G replaced by C.
Molecular consequence: intron variant.
Genome position (GRCh38, 1-based): chr9:128,581,897, G>C. VCF-style: chr9-128581897-G-C. GRCh37 (hg19) VCF-style: chr9-131344176-G-C.
Other names: c.1572+5G>C (NM_001375313.1, NM_003127.4, NM_001363765.2 and 5 more transcripts); c.1608+5G>C (NM_001375318.1, NM_001375312.2).
Identifiers: ClinVar variation 937165 (VCV000937165.9), dbSNP rs1851989537, ClinGen allele CA1139661256.

ClinVar aggregate classification (germline): Uncertain significance. Review status: criteria provided, multiple submitters, no conflicts (2 of 4 stars). 2 submissions from 2 submitters: Uncertain significance (2). Last evaluated 2025-04-03.

Conditions:
Early-infantile DEE. Also called: Early infantile epileptic encephalopathy; Ohtahara syndrome; Early infantile epileptic encephalopathy with suppression bursts. Identifiers: Orphanet 1934, MedGen C0393706, MONDO:0800491.

gnomAD v4.1: 1 of 1,597,292 alleles (0.000063%); no homozygotes.

Submissions (2):

GeneDx
Classification: Uncertain significance. Last evaluated: 2025-04-03. Review status: criteria provided, single submitter. Criteria: GeneDx Variant Classification Process June 2021. Collection method: clinical testing. Allele origin: germline. Affected: yes.
Comment: Not observed at significant frequency in large population cohorts (gnomAD); Intronic +5 splice site variant in a gene for which loss of function is a known mechanism of disease, and both splice predictors and evolutionary conservation support a deleterious effect, although in the absence of functional evidence the actual effect of this sequence change is unknown.; Has not been previously published as pathogenic or benign to our knowledge

Labcorp Genetics (formerly Invitae), Labcorp
Classification: Uncertain significance for Early-infantile DEE. Last evaluated: 2021-08-06. Review status: criteria provided, single submitter. Criteria: Invitae Variant Classification Sherloc (09022015). Collection method: clinical testing. Allele origin: germline.
Comment: This sequence change falls in intron 12 of the SPTAN1 gene. It does not directly change the encoded amino acid sequence of the SPTAN1 protein, but it affects a nucleotide within the consensus splice site of the intron. In summary, the available evidence is currently insufficient to determine the role of this variant in disease. Therefore, it has been classified as a Variant of Uncertain Significance. Nucleotide substitutions within the consensus splice site are a relatively common cause of aberrant splicing (PMID: 17576681, 9536098). Algorithms developed to predict the effect of sequence changes on RNA splicing suggest that this variant may disrupt the consensus splice site, but this prediction has not been confirmed by published transcriptional studies. This variant has not been reported in the literature in individuals with SPTAN1-related conditions. This variant is not present in population databases (ExAC no frequency).

Literature cited by the submitters: PubMed 17576681 (cited by Labcorp Genetics (formerly Invitae), Labcorp); PubMed 9536098 (cited by Labcorp Genetics (formerly Invitae), Labcorp).